The following is an entry in ClinVar:

NM_003482.4(KMT2D):c.12274C>T (p.Gln4092Ter)

Gene: KMT2D (lysine methyltransferase 2D; minus strand). Cytogenetic location: 12q13.12.
Variant type: single nucleotide variant.
Coding change: c.12274C>T on transcript NM_003482.4 (MANE Select); coding-DNA position 12274, C replaced by T.
Protein change: p.Gln4092Ter; replaces glutamine 4092 with a stop codon.
Molecular consequence: nonsense.
Genome position (GRCh38, 1-based): chr12:49,032,431, G>A on the plus strand (C>T on the coding strand, the complement: KMT2D is on the minus strand). VCF-style: chr12-49032431-G-A. GRCh37 (hg19) VCF-style: chr12-49426214-G-A.
Other names: short protein forms Q4092*.
Identifiers: ClinVar variation 4856364 (VCV004856364.1).

ClinVar aggregate classification (germline): Pathogenic (1 of 4 stars; one submission).

Conditions:
Kabuki syndrome 1 (KABUK1). Also called: KMT2D-Related Kabuki Syndrome. Identifiers: Orphanet 2322, MedGen CN030661, MONDO:0007843, OMIM 147920.

Submission:

3billion
Classification: Pathogenic for Kabuki syndrome 1. Last evaluated: 2026-01-08. Review status: criteria provided, single submitter. Criteria: ACMG Guidelines, 2015. Collection method: clinical testing. Allele origin: germline. Affected: yes.
Comment: The variant is not observed in the gnomAD v4.1.0 dataset. Predicted Consequence/Location: Stop-gained (nonsense): predicted to result in a loss or disruption of normal protein function through nonsense-mediated decay (NMD) or protein truncation. Multiple pathogenic variants are reported downstream of the variant. The variant has been reported to be associated with KMT2D-related disorder (PMID: 21658225). Therefore, this variant is classified as Pathogenic according to the recommendation of ACMG/AMP guideline.

Literature cited by the submitters: PubMed 21658225.